The following is an entry in ClinVar:

NM_004656.4(BAP1):c.1390T>A (p.Ser464Thr)

Gene: BAP1 (BRCA1 associated deubiquitinase 1; minus strand). Cytogenetic location: 3p21.1.
Variant type: single nucleotide variant.
Coding change: c.1390T>A on transcript NM_004656.4 (MANE Select); coding-DNA position 1390, T replaced by A.
Protein change: p.Ser464Thr; replaces serine 464 with threonine.
Molecular consequence: missense variant.
Genome position (GRCh38, 1-based): chr3:52,403,755, A>T on the plus strand (T>A on the coding strand, the complement: BAP1 is on the minus strand). VCF-style: chr3-52403755-A-T. GRCh37 (hg19) VCF-style: chr3-52437771-A-T.
Other names: c.1336T>A, p.Ser446Thr (NM_001410772.1); short protein forms S446T, S464T.
Identifiers: ClinVar variation 1771549 (VCV001771549.2), dbSNP rs2471329464, ClinGen allele CA353101647.

ClinVar aggregate classification (germline): Uncertain significance (1 of 4 stars; one submission).

Conditions:
Hereditary cancer-predisposing syndrome. Also called: Hereditary Cancer Syndrome; Hereditary neoplastic syndrome; Neoplastic Syndromes, Hereditary; Tumor predisposition. Identifiers: Orphanet 140162, MedGen C0027672, MeSH D009386, MONDO:0015356.

Submission:

Ambry Genetics
Classification: Uncertain significance for Hereditary cancer-predisposing syndrome. Last evaluated: 2022-10-22. Review status: criteria provided, single submitter. Criteria: Ambry Variant Classification Scheme 2023. Collection method: clinical testing. Allele origin: germline.
Comment: The p.S464T variant (also known as c.1390T>A), located in coding exon 13 of the BAP1 gene, results from a T to A substitution at nucleotide position 1390. The serine at codon 464 is replaced by threonine, an amino acid with similar properties. This amino acid position is conserved. In addition, this alteration is predicted to be tolerated by in silico analysis. Since supporting evidence is limited at this time, the clinical significance of this alteration remains unclear.